The following is an entry in ClinVar:

ClinVar aggregate classification (germline): Pathogenic (1 of 4 stars; one submission).

Conditions:
Hereditary nonpolyposis colorectal neoplasms. Identifiers: MedGen C0009405, MeSH D003123.

Submission:

Labcorp Genetics (formerly Invitae), Labcorp
Classification: Pathogenic for Hereditary nonpolyposis colorectal neoplasms. Last evaluated: 2017-01-15. Review status: criteria provided, single submitter. Criteria: Invitae Variant Classification Sherloc (09022015). Collection method: clinical testing. Allele origin: germline.
Comment: For these reasons, this variant has been classified as Pathogenic. While this particular variant has not been reported in the literature, loss-of-function variants in MSH6 are known to be pathogenic (PMID: 24362816, 18269114). This sequence change inserts 4 nucleotides in exon 9 of the MSH6 mRNA (c.3809_3812dupTGGT), causing a frameshift at codon 1272. This creates a premature translational stop signal (p.Glu1272Glyfs*4) and is expected to result in an absent or disrupted protein product.

Literature cited by the submitters: PubMed 24362816; PubMed 18269114.

NM_000179.3(MSH6):c.3809_3812dup (p.Glu1272fs)

Gene: MSH6 (mutS homolog 6; plus strand). Cytogenetic location: 2p16.3.
Variant type: Duplication.
Coding change: c.3809_3812dup on transcript NM_000179.3 (MANE Select); coding-DNA positions 3809 to 3812, 4 bases duplicated (TGGT; older notation c.3809_3812dupTGGT).
Protein change: p.Glu1272fs; shifts the reading frame from glutamic acid 1272.
Molecular consequence: frameshift variant.
Genome position (GRCh38, 1-based): chr2:47,806,459-47,806,462, TGGT duplicated. VCF-style (leftmost placement, unchanged base first): chr2-47806458-A-ATGGT. GRCh37 (hg19) VCF-style: chr2-48033597-A-ATGGT.
Other names: c.3809_3812dupTGGT (NM_000179.2); c.3419_3422dup, p.Glu1142fs (NM_001281492.2); c.2903_2906dup, p.Glu970fs (NM_001281493.2, NM_001281494.2); short protein forms E1272fs, E1142fs, E970fs.
Identifiers: ClinVar variation 455289 (VCV000455289.7), dbSNP rs1553333301, ClinGen allele CA658655743.